The following is an entry in ClinVar:

ClinVar aggregate classification (germline): Uncertain significance. Review status: criteria provided, multiple submitters, no conflicts (2 of 4 stars). 5 submissions from 5 submitters: Uncertain significance (5). Last evaluated 2025-06-29.

Conditions:
Breast-ovarian cancer, familial, susceptibility to, 4. Identifiers: Orphanet 145, MedGen C3280345, MONDO:0013669, OMIM 614291.
Hereditary cancer-predisposing syndrome. Also called: Tumor predisposition; Hereditary neoplastic syndrome; Hereditary Cancer Syndrome; Neoplastic Syndromes, Hereditary. Identifiers: Orphanet 140162, MedGen C0027672, MeSH D009386, MONDO:0015356.

Allele frequency attached by ClinVar (database versions not stated): gnomAD exomes below 0.00001; TOPMed below 0.00001; gnomAD 0.00001.
gnomAD v4.1: 4 of 1,564,016 alleles (0.00026%); highest among the groups gnomAD compares: Admixed American, 0.0017%; no homozygotes.

Submissions (5):

Labcorp Genetics (formerly Invitae), Labcorp
Classification: Uncertain significance for Breast-ovarian cancer, familial, susceptibility to, 4. Last evaluated: 2025-06-29. Review status: criteria provided, single submitter. Criteria: Invitae Variant Classification Sherloc (09022015). Collection method: clinical testing. Allele origin: germline.
Comment: This sequence change replaces threonine, which is neutral and polar, with isoleucine, which is neutral and non-polar, at codon 99 of the RAD51D protein (p.Thr99Ile). This variant is not present in population databases (gnomAD no frequency). This variant has not been reported in the literature in individuals affected with RAD51D-related conditions. ClinVar contains an entry for this variant (Variation ID: 577716). Invitae Evidence Modeling of protein sequence and biophysical properties (such as structural, functional, and spatial information, amino acid conservation, physicochemical variation, residue mobility, and thermodynamic stability) has been performed for this missense variant. However, the output from this modeling did not meet the statistical confidence thresholds required to predict the impact of this variant on RAD51D protein function. In summary, the available evidence is currently insufficient to determine the role of this variant in disease. Therefore, it has been classified as a Variant of Uncertain Significance.

Ambry Genetics
Classification: Uncertain significance for Hereditary cancer-predisposing syndrome. Last evaluated: 2024-10-30. Review status: criteria provided, single submitter. Criteria: Ambry Variant Classification Scheme 2023. Collection method: clinical testing. Allele origin: germline.
Comment: The p.T99I variant (also known as c.296C>T), located in coding exon 4 of the RAD51D gene, results from a C to T substitution at nucleotide position 296. The threonine at codon 99 is replaced by isoleucine, an amino acid with similar properties. This variant was identified in a cohort of 3,579 African males diagnosed with prostate cancer who underwent multi-gene panel testing of 19 DNA repair and cancer predisposition genes (Matejcic M et al. JCO Precis Oncol, 2020 Jan;4:32-43). This amino acid position is highly conserved in available vertebrate species. In addition, this alteration is predicted to be deleterious by in silico analysis. Based on the available evidence, the clinical significance of this variant remains unclear.

Baylor Genetics
Classification: Uncertain significance for Breast-ovarian cancer, familial, susceptibility to, 4. Last evaluated: 2023-08-10. Review status: criteria provided, single submitter. Criteria: ACMG Guidelines, 2015. Collection method: clinical testing. Allele origin: unknown.

Women's Health and Genetics/Laboratory Corporation of America, LabCorp
Classification: Uncertain significance. Last evaluated: 2023-06-29. Review status: criteria provided, single submitter. Criteria: LabCorp Variant Classification Summary - May 2015. Collection method: clinical testing. Allele origin: germline.

Color Diagnostics, LLC DBA Color Health
Classification: Uncertain significance for Hereditary cancer-predisposing syndrome. Last evaluated: 2018-11-19. Review status: criteria provided, single submitter. Criteria: ACMG Guidelines, 2015. Collection method: clinical testing. Allele origin: germline.

Literature cited by the submitters: PubMed 32832836 (cited by Ambry Genetics).

NM_002878.4(RAD51D):c.296C>T (p.Thr99Ile)

Genes: RAD51D (RAD51 paralog D; minus strand), RAD51L3-RFFL (RAD51L3-RFFL readthrough; minus strand). Cytogenetic location: 17q12.
Variant type: single nucleotide variant.
Coding change: c.296C>T on transcript NM_002878.4 (MANE Select); coding-DNA position 296, C replaced by T.
Protein change: p.Thr99Ile; replaces threonine 99 with isoleucine.
Molecular consequence: missense variant. On other transcripts: non-coding transcript variant (2), intron variant (1).
Genome position (GRCh38, 1-based): chr17:35,107,415, G>A on the plus strand (C>T on the coding strand, the complement: RAD51D is on the minus strand). VCF-style: chr17-35107415-G-A. GRCh37 (hg19) VCF-style: chr17-33434434-G-A.
Other names: c.356C>T, p.Thr119Ile (NM_001142571.2); c.145-934C>T (NM_133629.3); short protein forms T99I, T119I.
Identifiers: ClinVar variation 577716 (VCV000577716.18), dbSNP rs1339099286, ClinGen allele CA399089972.
Genomic context (GRCh38, chr17:35,107,415, plus strand): 5'-CTCACATGTACCTGAGTTTTGCCGCTACCTGGGCCTCCTACAATTTCAGTCACTTCTCCA[G>A]TATAGAGACCAGCATCAAGCAGTTTATCAAGACTGATGGCAGAAGAGAAGAAAATCAACA-3'
Protein context (NP_002869.3, residues 89-109): LDKLLDAGLY[Thr99Ile]GEVTEIVGGP